The following is an entry in ClinVar:

NM_001367624.2(ZNF469):c.5675G>A (p.Arg1892Lys)

Gene: ZNF469 (zinc finger protein 469; plus strand). Cytogenetic location: 16q24.2.
Variant type: single nucleotide variant.
Coding change: c.5675G>A on transcript NM_001367624.2 (MANE Select); coding-DNA position 5675, G replaced by A.
Protein change: p.Arg1892Lys; replaces arginine 1892 with lysine.
Molecular consequence: missense variant.
Genome position (GRCh38, 1-based): chr16:88,433,145, G>A. VCF-style: chr16-88433145-G-A. GRCh37 (hg19) VCF-style: chr16-88499553-G-A.
Other names: NM_001127464.1:c.5591G>A; NM_001127464.2:c.5591G>A; p.Arg1892Lys; short protein forms R1892K.
Identifiers: ClinVar variation 444384 (VCV000444384.61), dbSNP rs528085780, ClinGen allele CA8225098.

ClinVar aggregate classification (germline): Conflicting classifications of pathogenicity. Review status: criteria provided, conflicting classifications (1 of 4 stars). 8 submissions from 8 submitters: Uncertain significance (1); Likely benign (7). Last evaluated 2026-06-09.

Conditions:
ZNF469-related disorder. Also called: ZNF469-related condition.
Cardiovascular phenotype. Identifiers: MedGen CN230736.
Ehlers-Danlos syndrome (EDS). Identifiers: Orphanet 98249, MedGen C0013720, MONDO:0020066.

Allele frequency attached by ClinVar (database versions not stated): 1000 Genomes Project 30x 0.00016; gnomAD 0.00019; 1000 Genomes Project 0.00020; TOPMed 0.00020; gnomAD exomes 0.00050; ExAC 0.00097.
gnomAD v4.1: 456 of 1,550,358 alleles (0.029%); highest among the groups gnomAD compares: South Asian, 0.059%; 1 homozygote.

Submissions (8):

Women's Health and Genetics/Laboratory Corporation of America, LabCorp
Classification: Likely benign. Last evaluated: 2026-06-09. Review status: criteria provided, single submitter. Criteria: LabCorp Variant Classification Summary - May 2015. Collection method: clinical testing. Allele origin: germline.
Comment: Variant summary: ZNF469 c.5675G>A (p.Arg1892Lys) results in a conservative amino acid change in the encoded protein sequence. Algorithms developed to predict the effect of missense changes on protein structure and function all suggest that this variant is likely to be tolerated. The variant allele was found at a frequency of 0.00029 in 1550358 control chromosomes, predominantly at a frequency of 0.0027 within the Ashkenazi Jewish subpopulation in the gnomAD database. The observed variant frequency within Ashkenazi Jewish control individuals in the gnomAD database exceeds the estimated maximal expected allele frequency for disease-causing variants in ZNF469. c.5675G>A has been reported in the literature in individuals affected with brittle cornea syndrome without strong evidence for or against pathogenicity (Lombardo_2024, Karolak_2016). These reports do not provide unequivocal conclusions about association of the variant with disease. To our knowledge, no experimental evidence demonstrating an impact on protein function has been reported. The following publications have been ascertained in the context of this evaluation (PMID: 38684849, 26806788). ClinVar contains an entry for this variant (Variation ID: 444384). Based on the evidence outlined above, the variant was classified as likely benign.

Labcorp Genetics (formerly Invitae), Labcorp
Classification: Likely benign. Last evaluated: 2026-01-28. Review status: criteria provided, single submitter. Criteria: Invitae Variant Classification Sherloc (09022015). Collection method: clinical testing. Allele origin: germline.

CeGaT Center for Human Genetics Tuebingen
Classification: Likely benign. Last evaluated: 2025-09-01. Review status: criteria provided, single submitter. Criteria: CeGaT Center For Human Genetics Tuebingen Variant Classification Criteria Version 2. Collection method: clinical testing. Allele origin: germline. Affected: yes. Observed: 7 variant alleles.
Comment: ZNF469: BP4

Mayo Clinic Laboratories, Mayo Clinic
Classification: Likely benign. Last evaluated: 2025-07-14. Review status: criteria provided, single submitter. Criteria: ACMG Guidelines, 2015. Collection method: clinical testing. Allele origin: germline. Observed: 4 variant alleles.
Comment: BS1, BP4_strong

PreventionGenetics, part of Exact Sciences
Classification: Likely benign for ZNF469-related condition. Last evaluated: 2024-11-08. Review status: criteria provided, single submitter. Criteria: ACMG Guidelines, 2015. Collection method: clinical testing. Allele origin: germline.
Comment: This variant is classified as likely benign based on ACMG/AMP sequence variant interpretation guidelines (Richards et al. 2015 PMID: 25741868, with internal and published modifications).

Genome Diagnostics Laboratory, The Hospital for Sick Children
Classification: Likely benign for Ehlers-Danlos syndrome. Last evaluated: 2022-07-08. Review status: criteria provided, single submitter. Criteria: ACMG Guidelines, 2015. Collection method: clinical testing. Allele origin: germline.

GeneDx
Classification: Uncertain significance. Last evaluated: 2021-12-01. Review status: criteria provided, single submitter. Criteria: GeneDx Variant Classification Process June 2021. Collection method: clinical testing. Allele origin: germline. Affected: yes.
Comment: Identified in a patient with bilateral keratoconus in published literature (Karolak et al., 2016); In silico analysis supports that this missense variant does not alter protein structure/function; Reported in ClinVar as a variant of uncertain significance (ClinVar Variant ID# 444384; Landrum et al., 2016); This variant is associated with the following publications: (PMID: 26806788, 26582918)

Ambry Genetics
Classification: Likely benign for Cardiovascular phenotype. Last evaluated: 2020-07-22. Review status: criteria provided, single submitter. Criteria: Ambry Variant Classification Scheme 2023. Collection method: clinical testing. Allele origin: germline.

Literature cited by the submitters: PubMed 38684849 (cited by Women's Health and Genetics/Laboratory Corporation of America, LabCorp); PubMed 26806788 (cited by Women's Health and Genetics/Laboratory Corporation of America, LabCorp).